The following is an entry in ClinVar:

NM_000334.4(SCN4A):c.4183A>G (p.Ile1395Val)

Genes: GH-LCR (growth hormone locus control region; plus strand), SCN4A (sodium voltage-gated channel alpha subunit 4; minus strand). Cytogenetic location: 17q23.3.
Variant type: single nucleotide variant.
Coding change: c.4183A>G on transcript NM_000334.4 (MANE Select); coding-DNA position 4183, A replaced by G.
Protein change: p.Ile1395Val; replaces isoleucine 1395 with valine.
Molecular consequence: missense variant.
Genome position (GRCh38, 1-based): chr17:63,942,931, T>C on the plus strand (A>G on the coding strand, the complement: SCN4A is on the minus strand). VCF-style: chr17-63942931-T-C. GRCh37 (hg19) VCF-style: chr17-62020291-T-C.
Other names: short protein forms I1395V.
Identifiers: ClinVar variation 937414 (VCV000937414.10), dbSNP rs1908590330, ClinGen allele CA400616542.
Genomic context (GRCh38, chr17:63,942,931, plus strand): 5'-CAACGGTGAAGTAGTACTGGCGCAGGGCGAGCATCTTGAGCACGCACTCCCCTGTGAAGA[T>C]GATGATGAAGATCATGTTGATGTTGTACAGGATGTCCACCTTGAGCTGGCTCTGGTTGTC-3'
Protein context (NP_000325.4, residues 1385-1405): LYNINMIFII[Ile1395Val]FTGECVLKML

ClinVar aggregate classification (germline): Uncertain significance (1 of 4 stars; one submission).

Conditions:
Hyperkalemic periodic paralysis. Also called: Familial hyperkalemic periodic paralysis; Gamstorp disease. Identifiers: Orphanet 682, MedGen C0238357, MONDO:0008224, OMIM 170500, HP:0007215.

Submission:

Labcorp Genetics (formerly Invitae), Labcorp
Classification: Uncertain significance for Hyperkalemic periodic paralysis. Last evaluated: 2022-02-24. Review status: criteria provided, single submitter. Criteria: Invitae Variant Classification Sherloc (09022015). Collection method: clinical testing. Allele origin: germline.
Comment: In summary, the available evidence is currently insufficient to determine the role of this variant in disease. Therefore, it has been classified as a Variant of Uncertain Significance. Algorithms developed to predict the effect of missense changes on protein structure and function output the following: SIFT: "Tolerated"; PolyPhen-2: "Benign"; Align-GVGD: "Class C0". The valine amino acid residue is found in multiple mammalian species, which suggests that this missense change does not adversely affect protein function. ClinVar contains an entry for this variant (Variation ID: 937414). This variant has not been reported in the literature in individuals affected with SCN4A-related conditions. This variant is not present in population databases (gnomAD no frequency). This sequence change replaces isoleucine, which is neutral and non-polar, with valine, which is neutral and non-polar, at codon 1395 of the SCN4A protein (p.Ile1395Val).